The following is an entry in ClinVar:

ClinVar aggregate classification (germline): Uncertain significance (1 of 4 stars; one submission).

Conditions:
Nephronophthisis. Also called: Juvenile Nephronophthisis. Identifiers: Orphanet 655, MedGen C0687120, MONDO:0019005, HP:0000090.

Allele frequency attached by ClinVar (database versions not stated): gnomAD 0.00001; TOPMed 0.00001; gnomAD exomes 0.00003; ExAC 0.00006.
gnomAD v4.1: 51 of 1,613,742 alleles (0.0032%); highest among the groups gnomAD compares: South Asian, 0.038%; no homozygotes.

Submission:

Labcorp Genetics (formerly Invitae), Labcorp
Classification: Uncertain significance for Nephronophthisis. Last evaluated: 2022-07-03. Review status: criteria provided, single submitter. Criteria: Invitae Variant Classification Sherloc (09022015). Collection method: clinical testing. Allele origin: germline.
Comment: This sequence change replaces serine, which is neutral and polar, with asparagine, which is neutral and polar, at codon 1043 of the INVS protein (p.Ser1043Asn). This variant is present in population databases (rs762692117, gnomAD 0.05%). This variant has not been reported in the literature in individuals affected with INVS-related conditions. Algorithms developed to predict the effect of missense changes on protein structure and function output the following: SIFT: "Tolerated"; PolyPhen-2: "Benign"; Align-GVGD: "Class C0". The asparagine amino acid residue is found in multiple mammalian species, which suggests that this missense change does not adversely affect protein function. In summary, the available evidence is currently insufficient to determine the role of this variant in disease. Therefore, it has been classified as a Variant of Uncertain Significance.

NM_014425.5(INVS):c.3128G>A (p.Ser1043Asn)

Gene: INVS (inversin; plus strand). Cytogenetic location: 9q31.1.
Variant type: single nucleotide variant.
Coding change: c.3128G>A on transcript NM_014425.5 (MANE Select); coding-DNA position 3128, G replaced by A.
Protein change: p.Ser1043Asn; replaces serine 1043 with asparagine.
Molecular consequence: missense variant. On other transcripts: non-coding transcript variant (1).
Genome position (GRCh38, 1-based): chr9:100,300,604, G>A. VCF-style: chr9-100300604-G-A. GRCh37 (hg19) VCF-style: chr9-103062886-G-A.
Other names: c.2840G>A, p.Ser947Asn (NM_001318381.2); c.2150G>A, p.Ser717Asn (NM_001318382.2); short protein forms S717N, S1043N, S947N.
Identifiers: ClinVar variation 1966368 (VCV001966368.2), dbSNP rs762692117, ClinGen allele CA5158828.
Genomic context (GRCh38, chr9:100,300,604, plus strand): 5'-CTATCTGGTATTTGTTTTTAACAGTGAGCAACCTACAGTGTATACATCTCCTTGAGAACA[G>A]TGGAAGATCAAAGAACTTTTCTTATAACCTGCAATCAGCTACTCAGCCAAAAAACAAAAC-3'
Protein context (NP_055240.2, residues 1033-1053): NLQCIHLLEN[Ser1043Asn]GRSKNFSYNL